The following is an entry in ClinVar:

NM_001267550.2(TTN):c.6290dup (p.Arg2098fs)

Gene: TTN (titin; minus strand). Cytogenetic location: 2q31.2.
Variant type: Duplication.
Coding change: c.6290dup on transcript NM_001267550.2 (MANE Select); coding-DNA position 6290, one base duplicated (T; older notation c.6290dupT).
Protein change: p.Arg2098fs; shifts the reading frame from arginine 2098.
Molecular consequence: frameshift variant.
Genome position (GRCh38, 1-based): chr2:178,775,574, A duplicated on the plus strand (T on the coding strand, the reverse complement: TTN is on the minus strand); the first of 2 consecutive A bases (chr2:178,775,574-178,775,575); duplicating either gives the same sequence. VCF-style (leftmost placement, unchanged base first): chr2-178775573-G-GA. GRCh37 (hg19) VCF-style: chr2-179640300-G-GA.
Other names: c.6290dup, p.Arg2098fs (NM_001256850.1, NM_133378.4, NM_133379.5); c.6152dup, p.Arg2052fs (NM_003319.4, NM_133432.3, NM_133437.4); short protein forms R2052fs, R2098fs.
Identifiers: ClinVar variation 2950565 (VCV002950565.3), dbSNP rs2532823914, ClinGen allele CA2740095944.
Genomic context (GRCh38, chr2:178,775,573, plus strand): 5'-TTTGACACCATTTTTGTACCATTCACATTCGGGGTCTGGTTTCCCCACGACTCTGACCCG[G>GA]AAGTGTGCATCAGATCCTTGGCCCACTGTTTGGCTCTGGATTCTTTCGAAGATTTTTGGA-3'

ClinVar aggregate classification (germline): Likely pathogenic (1 of 4 stars; one submission).

Conditions:
Dilated cardiomyopathy 1G (CMD1G). Identifiers: Orphanet 154, MedGen C1858763, MONDO:0011400, OMIM 604145.
Autosomal recessive limb-girdle muscular dystrophy type 2J (LGMDR10). Also called: Limb-girdle muscular dystrophy, type 2J; MUSCULAR DYSTROPHY, LIMB-GIRDLE, AUTOSOMAL RECESSIVE 10. Identifiers: Orphanet 140922, MedGen C1837342, MONDO:0012127, OMIM 608807.

Submission:

Labcorp Genetics (formerly Invitae), Labcorp
Classification: Likely pathogenic for Dilated cardiomyopathy 1G; Autosomal recessive limb-girdle muscular dystrophy type 2J. Last evaluated: 2024-10-18. Review status: criteria provided, single submitter. Criteria: Invitae Variant Classification Sherloc (09022015). Collection method: clinical testing. Allele origin: germline.
Comment: This sequence change creates a premature translational stop signal (p.Arg2098Profs*13) in the TTN gene. While this is not anticipated to result in nonsense mediated decay, it is expected to create a truncated TTN protein. This variant is not present in population databases (gnomAD no frequency). This variant has not been reported in the literature in individuals affected with TTN-related conditions. This variant is located in the Z band of TTN (PMID: 25589632). Truncating variants in this region have been reported in individuals affected with autosomal recessive centronuclear myopathy (PMID: 33449170, internal data). Truncating variants in this region have also been identified in individuals affected with autosomal dominant dilated cardiomyopathy and/or cardio-related conditions (PMID: 27869827, 32964742, internal data). In summary, the currently available evidence indicates that the variant is pathogenic, but additional data are needed to prove that conclusively. Therefore, this variant has been classified as Likely Pathogenic.

Literature cited by the submitters: PubMed 25589632; PubMed 33449170; PubMed 27869827; PubMed 32964742.